The following is an entry in ClinVar:

NM_194248.3(OTOF):c.3641G>A (p.Arg1214His)

Gene: OTOF (otoferlin; minus strand). Cytogenetic location: 2p23.3.
Variant type: single nucleotide variant.
Coding change: c.3641G>A on transcript NM_194248.3 (MANE Select); coding-DNA position 3641, G replaced by A.
Protein change: p.Arg1214His; replaces arginine 1214 with histidine.
Molecular consequence: missense variant.
Genome position (GRCh38, 1-based): chr2:26,473,224, C>T on the plus strand (G>A on the coding strand, the complement: OTOF is on the minus strand). VCF-style: chr2-26473224-C-T. GRCh37 (hg19) VCF-style: chr2-26696092-C-T.
Other names: c.3641G>A, p.Arg1214His (NM_001287489.2); c.1400G>A, p.Arg467His (NM_004802.4, NM_194323.3); c.1571G>A, p.Arg524His (NM_194322.3); short protein forms R1214H, R524H, R467H.
Identifiers: ClinVar variation 2977234 (VCV002977234.4), dbSNP rs751557477, ClinGen allele CA1563493.
Genomic context (GRCh38, chr2:26,473,224, plus strand): 5'-GGGGGCCGGTAGATGAAGCGTCGCAGGGAGCTGACGGCATGGGAGCCCACCAGTGTGTAG[C>T]GACCGAAGGCCCGGCAGTCCACCACACGGATGTTCAAGGGCGGGTGCAGCAGCTCGTTCT-3'
Protein context (NP_919224.1, residues 1204-1224): IRVVDCRAFG[Arg1214His]YTLVGSHAVS

ClinVar aggregate classification (germline): Conflicting classifications of pathogenicity. Review status: criteria provided, conflicting classifications (1 of 4 stars). 2 submissions from 2 submitters: Uncertain significance (1); Likely benign (1). Last evaluated 2026-01-19.

Allele frequency attached by ClinVar (database versions not stated): gnomAD exomes 0.00001; ExAC 0.00005; TOPMed 0.00001.
gnomAD v4.1: 22 of 1,613,272 alleles (0.0014%); highest among the groups gnomAD compares: South Asian, 0.012%; no homozygotes.

Submissions (2):

Labcorp Genetics (formerly Invitae), Labcorp
Classification: Likely benign. Last evaluated: 2026-01-19. Review status: criteria provided, single submitter. Criteria: Invitae Variant Classification Sherloc (09022015). Collection method: clinical testing. Allele origin: germline.

GeneDx
Classification: Uncertain significance. Last evaluated: 2024-10-18. Review status: criteria provided, single submitter. Criteria: GeneDx Variant Classification Process June 2021. Collection method: clinical testing. Allele origin: germline. Affected: yes.
Comment: In silico analysis supports that this missense variant has a deleterious effect on protein structure/function; Has not been previously published as pathogenic or benign to our knowledge